The following is an entry in ClinVar:

NM_005677.4(COLQ):c.814+2T>C

Gene: COLQ (collagen like tail subunit of asymmetric acetylcholinesterase; minus strand). Cytogenetic location: 3p25.1.
Variant type: single nucleotide variant.
Coding change: c.814+2T>C on transcript NM_005677.4 (MANE Select); the canonical splice donor site of the intron after coding-DNA position 814, T replaced by C.
Molecular consequence: splice donor variant.
Genome position (GRCh38, 1-based): chr3:15,466,339, A>G on the plus strand (T>C on the coding strand, the complement: COLQ is on the minus strand). VCF-style: chr3-15466339-A-G. GRCh37 (hg19) VCF-style: chr3-15507846-A-G.
Other names: c.712+2T>C (NM_080539.4); c.784+2T>C (NM_080538.2).
Identifiers: ClinVar variation 1066385 (VCV001066385.10), dbSNP rs1002244829, ClinGen allele CA70608367.
Genomic context (GRCh38, chr3:15,466,339, plus strand): 5'-CCCTCTCTGGGAGGCTGGCCAGTACTCCAACAGTGGATCAAGTGAAGCAGTGTAGCTCTT[A>G]CCTGCAGGTGGGGGGCCTGGGGGCCCCGGACGGCCAGGTTGACCAGAAGGCCCAGGCTTG-3'

ClinVar aggregate classification (germline): Likely pathogenic. Review status: criteria provided, multiple submitters, no conflicts (2 of 4 stars). 2 submissions from 2 submitters: Likely pathogenic (2). Last evaluated 2023-12-07.

Conditions:
Congenital myasthenic syndrome 5. Identifiers: Orphanet 590, MedGen C1864233, MONDO:0011281, OMIM 603034.

Allele frequency attached by ClinVar (database versions not stated): TOPMed below 0.00001.
gnomAD v4.1: 2 of 1,609,020 alleles (0.00012%); highest among the groups gnomAD compares: African/African-American, 0.0027%; no homozygotes.

Submissions (2):

Baylor Genetics
Classification: Likely pathogenic for Congenital myasthenic syndrome 5. Last evaluated: 2023-12-07. Review status: criteria provided, single submitter. Criteria: ACMG Guidelines, 2015. Collection method: clinical testing. Allele origin: unknown.

Labcorp Genetics (formerly Invitae), Labcorp
Classification: Likely pathogenic for Congenital myasthenic syndrome 5. Last evaluated: 2020-10-19. Review status: criteria provided, single submitter. Criteria: Invitae Variant Classification Sherloc (09022015). Collection method: clinical testing. Allele origin: germline.
Comment: This sequence change affects a donor splice site in intron 12 of the COLQ gene. It is expected to disrupt RNA splicing. Variants that disrupt the donor or acceptor splice site typically lead to a loss of protein function (PMID: 16199547), and loss-of-function variants in COLQ are known to be pathogenic (PMID: 22678886). This variant is not present in population databases (ExAC no frequency). This variant has not been reported in the literature in individuals with COLQ-related conditions. Algorithms developed to predict the effect of sequence changes on RNA splicing suggest that this variant may disrupt the consensus splice site, but this prediction has not been confirmed by published transcriptional studies. In summary, the currently available evidence indicates that the variant is pathogenic, but additional data are needed to prove that conclusively. Therefore, this variant has been classified as Likely Pathogenic.

Literature cited by the submitters: PubMed 16199547 (cited by Labcorp Genetics (formerly Invitae), Labcorp); PubMed 22678886 (cited by Labcorp Genetics (formerly Invitae), Labcorp).